The following is an entry in ClinVar:

ClinVar aggregate classification (germline): Pathogenic (1 of 4 stars; one submission).

Conditions:
GM1 gangliosidosis. Identifiers: Orphanet 354, MedGen C0085131, MONDO:0018149.
Mucopolysaccharidosis, MPS-IV-B (MPS4B). Also called: MORQUIO SYNDROME B; Mucopolysaccharidosis Type IVB (Morquio B Disease); Mucopolysaccharidosis type 4B; Mucopolysaccharidosis type IVB (Morquio); MPS IVB; Mucopolysaccharidosis type IV B. Identifiers: Orphanet 309310, Orphanet 582, MedGen C0086652, MONDO:0009660, OMIM 253010.

Submission:

Labcorp Genetics (formerly Invitae), Labcorp
Classification: Pathogenic for Mucopolysaccharidosis, MPS-IV-B; GM1 gangliosidosis. Last evaluated: 2021-03-09. Review status: criteria provided, single submitter. Criteria: Invitae Variant Classification Sherloc (09022015). Collection method: clinical testing. Allele origin: germline.
Comment: This variant has not been reported in the literature in individuals with GLB1-related conditions. This variant disrupts the C-terminus of the GLB1 protein. Other variant(s) that disrupt this region (p.Phe570Leufs*30) have been determined to be pathogenic (PMID: 17309651, Invitae). This suggests that variants that disrupt this region of the protein are likely to be causative of disease. For these reasons, this variant has been classified as Pathogenic. This sequence change creates a premature translational stop signal (p.Gly525Aspfs*72) in the GLB1 gene. While this is not anticipated to result in nonsense mediated decay, it is expected to disrupt the last 153 amino acid(s) of the GLB1 protein. This variant is not present in population databases (ExAC no frequency).

Literature cited by the submitters: PubMed 17309651.

NM_000404.4(GLB1):c.1574_1583del (p.Gly525fs)

Gene: GLB1 (galactosidase beta 1; minus strand). Cytogenetic location: 3p22.3.
Variant type: Deletion.
Coding change: c.1574_1583del on transcript NM_000404.4 (MANE Select); coding-DNA positions 1574 to 1583, 10 bases deleted (GGGGCTGGGG; older notation c.1574_1583delGGGGCTGGGG).
Protein change: p.Gly525fs; shifts the reading frame from glycine 525.
Molecular consequence: frameshift variant.
Genome position (GRCh38, 1-based): chr3:33,014,207-33,014,216, CCCCAGCCCC deleted on the plus strand (GGGGCTGGGG on the coding strand, the reverse complement: GLB1 is on the minus strand); deleting any 10 consecutive bases within chr3:33,014,207-33,014,218 gives the same sequence; the c. name uses the placement nearest the transcript's 3' end. VCF-style (leftmost placement, unchanged base first): chr3-33014206-TCCCCAGCCCC-T. GRCh37 (hg19) VCF-style: chr3-33055698-TCCCCAGCCCC-T.
Other names: c.1484_1493del, p.Gly495fs (NM_001079811.3); c.1181_1190del, p.Gly394fs (NM_001135602.3); c.1718_1727del, p.Gly573fs (NM_001317040.2); c.1574_1583del, p.Gly525fs (NM_001393580.1); short protein forms G394fs, G495fs, G525fs, G573fs.
Identifiers: ClinVar variation 1434135 (VCV001434135.8), dbSNP rs2125463301, ClinGen allele CA2573136204.